The following is an entry in ClinVar:

ClinVar aggregate classification (germline): Benign. Review status: criteria provided, multiple submitters, no conflicts (2 of 4 stars). 5 submissions from 5 submitters: Benign (5). Last evaluated 2026-02-04.

Conditions:
Hereditary spastic paraplegia 57. Also called: Spastic paraplegia 57, autosomal recessive. Identifiers: Orphanet 431329, MedGen C3714897, MONDO:0014295, OMIM 615658.
Hereditary motor and sensory neuropathy, Okinawa type (HMSNO). Also called: HEREDITARY MOTOR AND SENSORY NEUROPATHY, PROXIMAL TYPE. Identifiers: Orphanet 90117, MedGen C1858338, MONDO:0011468, OMIM 604484.

Allele frequency attached by ClinVar (database versions not stated): gnomAD exomes 0.01114; ExAC 0.01282; gnomAD 0.02999; 1000 Genomes Project 0.03215; 1000 Genomes Project 30x 0.03373; ESP Exome Variant Server 0.03406; TOPMed 0.03512.
gnomAD v4.1: 14,964 of 1,598,458 alleles (0.94%); highest among the groups gnomAD compares: African/African-American, 9.2%; 329 homozygotes.

Submissions 1 to 31 of 49:

Labcorp Genetics (formerly Invitae), Labcorp
Classification: Benign for Hereditary motor and sensory neuropathy, Okinawa type; Hereditary spastic paraplegia 57. Last evaluated: 2026-02-04. Review status: criteria provided, single submitter. Criteria: Invitae Variant Classification Sherloc (09022015). Collection method: clinical testing. Allele origin: germline.

ARUP Laboratories, Molecular Genetics and Genomics, ARUP Laboratories
Classification: Benign. Last evaluated: 2025-01-24. Review status: criteria provided, single submitter. Criteria: ARUP Molecular Germline Variant Investigation Process 2024. Collection method: clinical testing. Allele origin: germline.

Mayo Clinic Laboratories, Mayo Clinic
Classification: Benign. Last evaluated: 2016-04-14. Review status: criteria provided, single submitter. Criteria: ACMG Guidelines, 2015. Collection method: clinical testing. Allele origin: germline. Observed: 49 variant alleles.

GeneDx
Classification: Benign. Last evaluated: 2015-04-17. Review status: criteria provided, single submitter. Criteria: GeneDx Variant Classification (06012015). Collection method: clinical testing. Allele origin: germline. Affected: yes.
Comment: This variant is considered likely benign or benign based on one or more of the following criteria: it is a conservative change, it occurs at a poorly conserved position in the protein, it is predicted to be benign by multiple in silico algorithms, and/or has population frequency not consistent with disease.

Breakthrough Genomics
Classification: Benign. Review status: criteria provided, single submitter. Criteria: ACMG Guidelines, 2015. Collection method: not provided. Allele origin: germline. Inheritance: Autosomal recessive inheritance. Affected: yes.

Dr. Peter K. Rogan Lab, Western University
No classification provided (evidence only). Condition: Lung cancer. Review status: no classification provided. Collection method: in vitro. Allele origin: not applicable. Functional consequence: retained intron. Not counted in ClinVar's aggregate classification.

Dr. Peter K. Rogan Lab, Western University
No classification provided (evidence only). Condition: Lung cancer. Review status: no classification provided. Collection method: in vitro. Allele origin: not applicable. Functional consequence: retained intron. Not counted in ClinVar's aggregate classification.

Dr. Peter K. Rogan Lab, Western University
No classification provided (evidence only). Condition: Lung cancer. Review status: no classification provided. Collection method: in vitro. Allele origin: not applicable. Functional consequence: retained intron. Not counted in ClinVar's aggregate classification.

Dr. Peter K. Rogan Lab, Western University
No classification provided (evidence only). Condition: Lung cancer. Review status: no classification provided. Collection method: in vitro. Allele origin: not applicable. Functional consequence: retained intron. Not counted in ClinVar's aggregate classification.

Dr. Peter K. Rogan Lab, Western University
No classification provided (evidence only). Condition: Lung cancer. Review status: no classification provided. Collection method: in vitro. Allele origin: not applicable. Functional consequence: retained intron. Not counted in ClinVar's aggregate classification.

Dr. Peter K. Rogan Lab, Western University
No classification provided (evidence only). Condition: Lung cancer. Review status: no classification provided. Collection method: in vitro. Allele origin: not applicable. Functional consequence: retained intron. Not counted in ClinVar's aggregate classification.

Dr. Peter K. Rogan Lab, Western University
No classification provided (evidence only). Condition: Lung cancer. Review status: no classification provided. Collection method: in vitro. Allele origin: not applicable. Functional consequence: retained intron. Not counted in ClinVar's aggregate classification.

Dr. Peter K. Rogan Lab, Western University
No classification provided (evidence only). Condition: Acute myeloid leukemia. Review status: no classification provided. Collection method: in vitro. Allele origin: not applicable. Functional consequence: retained intron. Not counted in ClinVar's aggregate classification.

Dr. Peter K. Rogan Lab, Western University
No classification provided (evidence only). Condition: Acute myeloid leukemia. Review status: no classification provided. Collection method: in vitro. Allele origin: not applicable. Functional consequence: retained intron. Not counted in ClinVar's aggregate classification.

Dr. Peter K. Rogan Lab, Western University
No classification provided (evidence only). Condition: Acute myeloid leukemia. Review status: no classification provided. Collection method: in vitro. Allele origin: not applicable. Functional consequence: retained intron. Not counted in ClinVar's aggregate classification.

Dr. Peter K. Rogan Lab, Western University
No classification provided (evidence only). Condition: Uterine corpus endometrial carcinoma. Review status: no classification provided. Collection method: in vitro. Allele origin: not applicable. Functional consequence: retained intron. Not counted in ClinVar's aggregate classification.

Dr. Peter K. Rogan Lab, Western University
No classification provided (evidence only). Condition: Uterine corpus endometrial carcinoma. Review status: no classification provided. Collection method: in vitro. Allele origin: not applicable. Functional consequence: retained intron. Not counted in ClinVar's aggregate classification.

Dr. Peter K. Rogan Lab, Western University
No classification provided (evidence only). Condition: Uterine corpus endometrial carcinoma. Review status: no classification provided. Collection method: in vitro. Allele origin: not applicable. Functional consequence: retained intron. Not counted in ClinVar's aggregate classification.

Dr. Peter K. Rogan Lab, Western University
No classification provided (evidence only). Condition: Uterine corpus endometrial carcinoma. Review status: no classification provided. Collection method: in vitro. Allele origin: not applicable. Functional consequence: retained intron. Not counted in ClinVar's aggregate classification.

Dr. Peter K. Rogan Lab, Western University
No classification provided (evidence only). Condition: Uterine corpus endometrial carcinoma. Review status: no classification provided. Collection method: in vitro. Allele origin: not applicable. Functional consequence: retained intron. Not counted in ClinVar's aggregate classification.

Dr. Peter K. Rogan Lab, Western University
No classification provided (evidence only). Condition: Uterine corpus endometrial carcinoma. Review status: no classification provided. Collection method: in vitro. Allele origin: not applicable. Functional consequence: cryptic splice site, retained intron. Not counted in ClinVar's aggregate classification.

Dr. Peter K. Rogan Lab, Western University
No classification provided (evidence only). Condition: Uterine corpus endometrial carcinoma. Review status: no classification provided. Collection method: in vitro. Allele origin: not applicable. Functional consequence: retained intron. Not counted in ClinVar's aggregate classification.

Dr. Peter K. Rogan Lab, Western University
No classification provided (evidence only). Condition: Uterine corpus endometrial carcinoma. Review status: no classification provided. Collection method: in vitro. Allele origin: not applicable. Functional consequence: retained intron. Not counted in ClinVar's aggregate classification.

Dr. Peter K. Rogan Lab, Western University
No classification provided (evidence only). Condition: Uterine corpus endometrial carcinoma. Review status: no classification provided. Collection method: in vitro. Allele origin: not applicable. Functional consequence: retained intron. Not counted in ClinVar's aggregate classification.

Dr. Peter K. Rogan Lab, Western University
No classification provided (evidence only). Condition: Cervical cancer. Review status: no classification provided. Collection method: in vitro. Allele origin: not applicable. Functional consequence: retained intron. Not counted in ClinVar's aggregate classification.

Dr. Peter K. Rogan Lab, Western University
No classification provided (evidence only). Condition: Cervical cancer. Review status: no classification provided. Collection method: in vitro. Allele origin: not applicable. Functional consequence: cryptic splice site, retained intron. Not counted in ClinVar's aggregate classification.

Dr. Peter K. Rogan Lab, Western University
No classification provided (evidence only). Condition: Cervical cancer. Review status: no classification provided. Collection method: in vitro. Allele origin: not applicable. Functional consequence: retained intron. Not counted in ClinVar's aggregate classification.

Dr. Peter K. Rogan Lab, Western University
No classification provided (evidence only). Condition: Cervical cancer. Review status: no classification provided. Collection method: in vitro. Allele origin: not applicable. Functional consequence: retained intron. Not counted in ClinVar's aggregate classification.

Dr. Peter K. Rogan Lab, Western University
No classification provided (evidence only). Condition: Cervical cancer. Review status: no classification provided. Collection method: in vitro. Allele origin: not applicable. Functional consequence: cryptic splice site, retained intron. Not counted in ClinVar's aggregate classification.

Dr. Peter K. Rogan Lab, Western University
No classification provided (evidence only). Condition: Cervical cancer. Review status: no classification provided. Collection method: in vitro. Allele origin: not applicable. Functional consequence: cryptic splice site, retained intron. Not counted in ClinVar's aggregate classification.

Dr. Peter K. Rogan Lab, Western University
No classification provided (evidence only). Condition: Cervical cancer. Review status: no classification provided. Collection method: in vitro. Allele origin: not applicable. Functional consequence: retained intron. Not counted in ClinVar's aggregate classification.

NM_006070.6(TFG):c.722-8G>T

Gene: TFG (trafficking from ER to golgi regulator; plus strand). Cytogenetic location: 3q12.2.
Variant type: single nucleotide variant.
Coding change: c.722-8G>T on transcript NM_006070.6 (MANE Select); 8 bases into the intron before coding-DNA position 722, G replaced by T.
Molecular consequence: intron variant.
Genome position (GRCh38, 1-based): chr3:100,744,825, G>T. VCF-style: chr3-100744825-G-T. GRCh37 (hg19) VCF-style: chr3-100463669-G-T.
Other names: p.?; c.722-8G>T (NM_001007565.2, NM_001195478.2); c.710-8G>T (NM_001195479.2).
Identifiers: ClinVar variation 378722 (VCV000378722.26), dbSNP rs41272979, ClinGen allele CA2517178.